The following is an entry in ClinVar:

ClinVar aggregate classification (germline): Likely pathogenic (1 of 4 stars; one submission).

Submission:

Baylor Genetics
Classification: Likely pathogenic. Last evaluated: 2018-11-01. Review status: criteria provided, single submitter. Criteria: ACMG CNV Guidelines, 2011. Collection method: clinical testing. Allele origin: germline. Affected: yes. Observed: 1 variant allele.
Comment: Duplications involving this region have been previously reported in patients with developmental delay, intellectual disability, muscular hypotonia and neuropsychiatric disorders, ADHD [PMID: 20506139, 22420048]

GRCh37/hg19 15q13.2-13.3(chr15:30927362-32929514)

Genes: ARHGAP11A (Rho GTPase activating protein 11A; plus strand), ARHGAP11B (Rho GTPase activating protein 11B), CHRNA7 (cholinergic receptor nicotinic alpha 7 subunit), FAN1 (FANCD2 and FANCI associated nuclease 1; plus strand), GOLGA8N (golgin A8 family member N; plus strand) and 6 more. Cytogenetic location: 15q13.2-13.3.
Variant type: copy number gain.
Identifiers: ClinVar variation 625748 (VCV000625748.1).